The following is an entry in ClinVar:

ClinVar aggregate classification (germline): Uncertain significance. Review status: criteria provided, multiple submitters, no conflicts (2 of 4 stars). 2 submissions from 2 submitters: Uncertain significance (2). Last evaluated 2025-05-21.

Conditions:
SAMD9L-related disorder. Also called: SAMD9L-related condition; SAMD9L-related disorders.

Submissions (2):

Labcorp Genetics (formerly Invitae), Labcorp
Classification: Uncertain significance. Last evaluated: 2025-05-21. Review status: criteria provided, single submitter. Criteria: Invitae Variant Classification Sherloc (09022015). Collection method: clinical testing. Allele origin: germline.
Comment: This sequence change replaces proline, which is neutral and non-polar, with asparagine, which is neutral and polar, at codon 1395 of the SAMD9L protein (p.Pro1395Asn). Information on the frequency of this variant in the gnomAD database is not available, as this variant may be reported differently in the database. This variant has not been reported in the literature in individuals affected with SAMD9L-related conditions. ClinVar contains an entry for this variant (Variation ID: 2635304). An algorithm developed to predict the effect of missense changes on protein structure and function (PolyPhen-2) suggests that this variant is likely to be disruptive. In summary, the available evidence is currently insufficient to determine the role of this variant in disease. Therefore, it has been classified as a Variant of Uncertain Significance.

PreventionGenetics, part of Exact Sciences
Classification: Uncertain significance for SAMD9L-related condition. Last evaluated: 2022-11-15. Review status: criteria provided, single submitter. Criteria: ACMG Guidelines, 2015. Collection method: clinical testing. Allele origin: germline.
Comment: The SAMD9L c.4183_4184delinsAA variant is predicted to result in an in-frame deletion and insertion. To our knowledge, this variant has not been reported in the literature or in a large population database, indicating this variant is rare. At this time, the clinical significance of this variant is uncertain due to the absence of conclusive functional and genetic evidence.

NM_152703.5(SAMD9L):c.4183_4184delinsAA (p.Pro1395Asn)

Gene: SAMD9L (sterile alpha motif domain containing 9 like; minus strand). Cytogenetic location: 7q21.2.
Variant type: Indel.
Coding change: c.4183_4184delinsAA on transcript NM_152703.5 (MANE Select); coding-DNA positions 4183 to 4184, CC replaced by AA.
Protein change: p.Pro1395Asn; replaces proline 1395 with asparagine.
Molecular consequence: missense variant.
Genome position (GRCh38, 1-based): chr7:93,131,788-93,131,789, GG replaced by TT on the plus strand (CC replaced by AA on the coding strand, the reverse complement: SAMD9L is on the minus strand). VCF-style: chr7-93131788-GG-TT. GRCh37 (hg19) VCF-style: chr7-92761101-GG-TT.
Other names: c.4183_4184delinsAA, p.Pro1395Asn (NM_001303496.3, NM_001303497.3, NM_001303498.3 and 5 more transcripts); short protein forms P1395N.
Identifiers: ClinVar variation 2635304 (VCV002635304.4), dbSNP rs2535405407, ClinGen allele CA2695199578.